The following is an entry in ClinVar:

ClinVar aggregate classification (germline): Conflicting classifications of pathogenicity. Review status: criteria provided, conflicting classifications (1 of 4 stars). 2 submissions from 2 submitters: Uncertain significance (1); Likely benign (1). Last evaluated 2025-09-12.

Conditions:
Charcot-Marie-Tooth disease type 2. Also called: Charcot-Marie-Tooth type 2. Identifiers: Orphanet 64746, MedGen C0270914, MONDO:0018993.

Allele frequency attached by ClinVar (database versions not stated): TOPMed 0.00002; ExAC 0.00003; gnomAD 0.00004; gnomAD exomes 0.00002.
gnomAD v4.1: 30 of 1,613,916 alleles (0.0019%); highest among the groups gnomAD compares: East Asian, 0.022%; no homozygotes.

Submissions (2):

Labcorp Genetics (formerly Invitae), Labcorp
Classification: Uncertain significance for Charcot-Marie-Tooth disease type 2. Last evaluated: 2025-09-12. Review status: criteria provided, single submitter. Criteria: Invitae Variant Classification Sherloc (09022015). Collection method: clinical testing. Allele origin: germline.
Comment: This sequence change falls in intron 23 of the KIF1B gene. It does not directly change the encoded amino acid sequence of the KIF1B protein. It affects a nucleotide within the consensus splice site. This variant is present in population databases (rs765394037, gnomAD 0.02%). This variant has not been reported in the literature in individuals affected with KIF1B-related conditions. ClinVar contains an entry for this variant (Variation ID: 1790727). Variants that disrupt the consensus splice site are a relatively common cause of aberrant splicing (PMID: 17576681, 9536098). Algorithms developed to predict the effect of sequence changes on RNA splicing suggest that this variant is not likely to affect RNA splicing. In summary, the available evidence is currently insufficient to determine the role of this variant in disease. Therefore, it has been classified as a Variant of Uncertain Significance.

Ambry Genetics
Classification: Likely benign. Last evaluated: 2020-11-06. Review status: criteria provided, single submitter. Criteria: Ambry Variant Classification Scheme 2023. Collection method: clinical testing. Allele origin: germline.

Literature cited by the submitters: PubMed 17576681 (cited by Labcorp Genetics (formerly Invitae), Labcorp); PubMed 9536098 (cited by Labcorp Genetics (formerly Invitae), Labcorp).

NM_001365951.3(KIF1B):c.2538-3T>C

Gene: KIF1B (kinesin family member 1B; plus strand). Cytogenetic location: 1p36.22.
Variant type: single nucleotide variant.
Coding change: c.2538-3T>C on transcript NM_001365951.3 (MANE Select); 3 bases into the intron before coding-DNA position 2538, T replaced by C.
Molecular consequence: intron variant.
Genome position (GRCh38, 1-based): chr1:10,324,755, T>C. VCF-style: chr1-10324755-T-C. GRCh37 (hg19) VCF-style: chr1-10384813-T-C.
Other names: c.2400-3T>C (NM_015074.3); c.2538-3T>C (NM_001365952.1).
Identifiers: ClinVar variation 1790727 (VCV001790727.7), dbSNP rs765394037, ClinGen allele CA581551.
Genomic context (GRCh38, chr1:10,324,755, plus strand): 5'-CAAAGTGAAAGTTTAATGCAATCTCATTATATTAACCCAATGTGCTTTGTGTTTACTAAA[T>C]AGGCAGAGGCTGGATTTGATGCGAGAGATGTATGATAGGGCAGGGGAGATGGCCTCCAGT-3'